The following is an entry in ClinVar:

NM_206933.4(USH2A):c.14407_14431del (p.Ile4803fs)

Gene: USH2A (usherin; minus strand). Cytogenetic location: 1q41.
Variant type: Deletion.
Coding change: c.14407_14431del on transcript NM_206933.4 (MANE Select); coding-DNA positions 14407 to 14431, 25 bases deleted (ATTGGAGTAGAGGCCTGCACCTGCT).
Protein change: p.Ile4803fs; shifts the reading frame from isoleucine 4803.
Molecular consequence: frameshift variant.
Genome position (GRCh38, 1-based): chr1:215,648,679-215,648,703, AGCAGGTGCAGGCCTCTACTCCAAT deleted on the plus strand (ATTGGAGTAGAGGCCTGCACCTGCT on the coding strand, the reverse complement: USH2A is on the minus strand); deleting any 25 consecutive bases within chr1:215,648,679-215,648,705 gives the same sequence; the c. name uses the placement nearest the transcript's 3' end. VCF-style (leftmost placement, unchanged base first): chr1-215648678-AAGCAGGTGCAGGCCTCTACTCCAAT-A. GRCh37 (hg19) VCF-style: chr1-215822020-AAGCAGGTGCAGGCCTCTACTCCAAT-A.
Other names: short protein forms I4803fs.
Identifiers: ClinVar variation 2711034 (VCV002711034.4), dbSNP rs2464816025, ClinGen allele CA2697554898.

ClinVar aggregate classification (germline): Pathogenic. Review status: criteria provided, multiple submitters, no conflicts (2 of 4 stars). 2 submissions from 2 submitters: Pathogenic (2). Last evaluated 2026-09-08.

Conditions:
Retinal disorder. Also called: Retinopathies; Retinal Diseases; Retinal disorders; Retinopathy. Identifiers: MedGen C0035309, MONDO:0005283, HP:0000488.

Submissions (2):

North West Genomic Laboratory Hub, Manchester University NHS Foundation Trust
Classification: Pathogenic for Retinal disorders. Last evaluated: 2026-09-08. Review status: criteria provided, single submitter. Criteria: ACGS Best Practice Guidelines for Variant Classification in Rare Disease 2024. Collection method: clinical testing. Allele origin: germline. Affected: yes.
Comment: PM2_Mod PVS1_VStr PM3_Supp

Labcorp Genetics (formerly Invitae), Labcorp
Classification: Pathogenic. Last evaluated: 2024-01-24. Review status: criteria provided, single submitter. Criteria: Invitae Variant Classification Sherloc (09022015). Collection method: clinical testing. Allele origin: germline.
Comment: This sequence change creates a premature translational stop signal (p.Ile4803Serfs*12) in the USH2A gene. It is expected to result in an absent or disrupted protein product. Loss-of-function variants in USH2A are known to be pathogenic (PMID: 10729113, 10909849, 20507924, 25649381). This variant is not present in population databases (gnomAD no frequency). This variant has not been reported in the literature in individuals affected with USH2A-related conditions. For these reasons, this variant has been classified as Pathogenic.

Literature cited by the submitters: PubMed 10729113 (cited by Labcorp Genetics (formerly Invitae), Labcorp); PubMed 10909849 (cited by Labcorp Genetics (formerly Invitae), Labcorp); PubMed 20507924 (cited by Labcorp Genetics (formerly Invitae), Labcorp); PubMed 25649381 (cited by Labcorp Genetics (formerly Invitae), Labcorp).